The following is an entry in ClinVar:

NM_024577.4(SH3TC2):c.1350G>A (p.Pro450=)

Gene: SH3TC2 (SH3 domain and tetratricopeptide repeats 2; minus strand). Cytogenetic location: 5q32.
Variant type: single nucleotide variant.
Coding change: c.1350G>A on transcript NM_024577.4 (MANE Select); coding-DNA position 1350, G replaced by A.
Protein change: p.Pro450=; no amino-acid change (proline 450 retained).
Molecular consequence: synonymous variant.
Genome position (GRCh38, 1-based): chr5:149,028,382, C>T on the plus strand (G>A on the coding strand, the complement: SH3TC2 is on the minus strand). VCF-style: chr5-149028382-C-T. GRCh37 (hg19) VCF-style: chr5-148407945-C-T.
Other names: p.P450P:CCG>CCA; p.Pro450=.
Identifiers: ClinVar variation 139101 (VCV000139101.22), dbSNP rs17722227, ClinGen allele CA293473.

ClinVar aggregate classification (germline): Benign. Review status: criteria provided, multiple submitters, no conflicts (2 of 4 stars). 8 submissions from 7 submitters: Benign (8). Last evaluated 2026-02-03.

Conditions:
Charcot-Marie-Tooth disease type 4. Also called: Charcot-Marie-Tooth disease, type IV; Charcot-Marie-Tooth, Type 4. Identifiers: Orphanet 64749, MedGen C4082197, MONDO:0018995.
Charcot-Marie-Tooth disease. Also called: Charcot-Marie-Tooth Hereditary Neuropathy; Charcot-Marie-Tooth Neuropathy. Identifiers: Orphanet 166, MedGen C0007959, MONDO:0015626.
Charcot-Marie-Tooth disease type 4C (CMT4C). Also called: Charcot-Marie-Tooth Neuropathy Type 4C (CMT4C); CHARCOT-MARIE-TOOTH DISEASE, DEMYELINATING, TYPE 4C; CHARCOT-MARIE-TOOTH DISEASE, DEMYELINATING, AUTOSOMAL RECESSIVE, TYPE 4C; CMT 4C; SH3TC2-Related Hereditary Motor and Sensory Neuropathy. Identifiers: Orphanet 99949, MedGen C1866636, MONDO:0011113, OMIM 601596.
Susceptibility to mononeuropathy of the median nerve, mild. Also called: CARPAL TUNNEL SYNDROME, SUSCEPTIBILITY TO. Identifiers: MedGen C3150596, MONDO:0013237, OMIM 613353.

Allele frequency attached by ClinVar (database versions not stated): ESP Exome Variant Server 0.00615; gnomAD exomes 0.01757 and 0.05495; gnomAD 0.02289 and 0.02591; TOPMed 0.03730; ExAC 0.04598; 1000 Genomes Project 0.06430; 1000 Genomes Project 30x 0.06543.
gnomAD v4.1: 29,964 of 1,614,122 alleles (1.9%); highest among the groups gnomAD compares: Admixed American, 23%; 2,295 homozygotes.

Submissions (8):

Labcorp Genetics (formerly Invitae), Labcorp
Classification: Benign for Charcot-Marie-Tooth disease type 4. Last evaluated: 2026-02-03. Review status: criteria provided, single submitter. Criteria: Invitae Variant Classification Sherloc (09022015). Collection method: clinical testing. Allele origin: germline.

Athena Diagnostics
Classification: Benign. Last evaluated: 2025-04-16. Review status: criteria provided, single submitter. Criteria: Athena Diagnostics Criteria. Collection method: clinical testing. Allele origin: unknown.
Comment: The frequency of this variant in the general population is higher than would generally be expected for pathogenic variants in this gene.

Illumina Laboratory Services, Illumina
Classification: Benign for Charcot-Marie-Tooth disease type 4C. Last evaluated: 2018-01-13. Review status: criteria provided, single submitter. Criteria: ICSL Variant Classification Criteria 13 December 2019. Collection method: clinical testing. Allele origin: germline.
Comment: This variant was observed in the ICSL laboratory as part of a predisposition screen in an ostensibly healthy population. It had not been previously curated by ICSL or reported in the Human Gene Mutation Database (HGMD: prior to June 1st, 2018), and was therefore a candidate for classification through an automated scoring system. Utilizing variant allele frequency, disease prevalence and penetrance estimates, and inheritance mode, an automated score was calculated to assess if this variant is too frequent to cause the disease. Based on the score and internal cut-off values, a variant classified as benign is not then subjected to further curation. The score for this variant resulted in a classification of benign for this disease.

Illumina Laboratory Services, Illumina
Classification: Benign for Susceptibility to mononeuropathy of the median nerve, mild. Last evaluated: 2018-01-13. Review status: criteria provided, single submitter. Criteria: ICSL Variant Classification Criteria 13 December 2019. Collection method: clinical testing. Allele origin: germline.
Comment: the same text as in the submission from Illumina Laboratory Services, Illumina above.

Mayo Clinic Laboratories, Mayo Clinic
Classification: Benign. Last evaluated: 2016-06-15. Review status: criteria provided, single submitter. Criteria: ACMG Guidelines, 2015. Collection method: clinical testing. Allele origin: germline. Observed: 61 variant alleles.

Eurofins Ntd Llc (ga)
Classification: Benign. Last evaluated: 2015-10-05. Review status: criteria provided, single submitter. Criteria: EGL Classification Definitions 2015. Collection method: clinical testing. Allele origin: germline.

GeneDx
Classification: Benign. Last evaluated: 2014-02-20. Review status: criteria provided, single submitter. Criteria: GeneDx Variant Classification (06012015). Collection method: clinical testing. Allele origin: germline. Affected: yes.
Comment: This variant is considered likely benign or benign based on one or more of the following criteria: it is a conservative change, it occurs at a poorly conserved position in the protein, it is predicted to be benign by multiple in silico algorithms, and/or has population frequency not consistent with disease.

Molecular Genetics Laboratory, London Health Sciences Centre
Classification: Benign for Charcot-Marie-Tooth disease. Review status: criteria provided, single submitter. Criteria: ACMG Guidelines, 2015. Collection method: clinical testing. Allele origin: germline. Affected: yes.